The following is an entry in ClinVar:

ClinVar aggregate classification (germline): Uncertain significance (1 of 4 stars; one submission).

Allele frequency attached by ClinVar (database versions not stated): gnomAD exomes 0.00005; TOPMed 0.00007; gnomAD 0.00008; ExAC 0.00009.
gnomAD v4.1: 87 of 1,612,718 alleles (0.0054%); highest among the groups gnomAD compares: African/African-American, 0.0013%; no homozygotes.

Submission:

Labcorp Genetics (formerly Invitae), Labcorp
Classification: Uncertain significance. Last evaluated: 2024-10-24. Review status: criteria provided, single submitter. Criteria: Invitae Variant Classification Sherloc (09022015). Collection method: clinical testing. Allele origin: germline.
Comment: This sequence change replaces glutamine, which is neutral and polar, with glutamic acid, which is acidic and polar, at codon 785 of the VPS11 protein (p.Gln785Glu). This variant is present in population databases (rs782357274, gnomAD 0.2%). This variant has not been reported in the literature in individuals affected with VPS11-related conditions. ClinVar contains an entry for this variant (Variation ID: 2158565). Invitae Evidence Modeling of protein sequence and biophysical properties (such as structural, functional, and spatial information, amino acid conservation, physicochemical variation, residue mobility, and thermodynamic stability) indicates that this missense variant is not expected to disrupt VPS11 protein function with a negative predictive value of 80%. In summary, the available evidence is currently insufficient to determine the role of this variant in disease. Therefore, it has been classified as a Variant of Uncertain Significance.

NM_021729.6(VPS11):c.2353C>G (p.Gln785Glu)

Gene: VPS11 (VPS11 core subunit of CORVET and HOPS complexes; plus strand). Cytogenetic location: 11q23.3.
Variant type: single nucleotide variant.
Coding change: c.2353C>G on transcript NM_021729.6 (MANE Select); coding-DNA position 2353, C replaced by G.
Protein change: p.Gln785Glu; replaces glutamine 785 with glutamic acid.
Molecular consequence: missense variant. On other transcripts: non-coding transcript variant (8).
Genome position (GRCh38, 1-based): chr11:119,079,215, C>G. VCF-style: chr11-119079215-C-G. GRCh37 (hg19) VCF-style: chr11-118949925-C-G.
Other names: c.2323C>G, p.Gln775Glu (NM_001290185.2); c.2365C>G, p.Gln789Glu (NM_001378218.1, NM_001378219.1); c.2338C>G, p.Gln780Glu (NM_001378220.1); c.2335C>G, p.Gln779Glu (NM_001378221.1); short protein forms Q785E, Q775E, Q779E, Q780E, Q789E.
Identifiers: ClinVar variation 2158565 (VCV002158565.2), dbSNP rs782357274, ClinGen allele CA6313686.
Genomic context (GRCh38, chr11:119,079,215, plus strand): 5'-ACAGCCACACTCTCCGTCATCAGGGACTACCTGGTCCAAAAACTACAGAAACAGAGCCAG[C>G]AGATTGCACAGGATGAGCTGCGGGTGCGGCGGTACCGAGAGGAGACCACCCGTATCCGCC-3'
Protein context (NP_068375.3, residues 775-795): LVQKLQKQSQ[Gln785Glu]IAQDELRVRR